The following is an entry in ClinVar:

ClinVar aggregate classification (germline): Uncertain significance. Review status: criteria provided, multiple submitters, no conflicts (2 of 4 stars). 2 submissions from 2 submitters: Uncertain significance (2). Last evaluated 2022-08-10.

Conditions:
Intellectual developmental disorder with autism and macrocephaly. Also called: CHD8-Related Neurodevelopmental Disorder with Overgrowth; Autism, susceptibility to, 18. Identifiers: Orphanet 642675, MedGen C3554373, MONDO:0014017, OMIM 615032.

Allele frequency attached by ClinVar (database versions not stated): gnomAD 0.00001; TOPMed 0.00001.
gnomAD v4.1: 1 of 1,613,614 alleles (0.000062%); highest among the groups gnomAD compares: Non-Finnish European, 0.000085%; no homozygotes.

Submissions (2):

MGZ Medical Genetics Center
Classification: Uncertain significance for Intellectual developmental disorder with autism and macrocephaly. Last evaluated: 2022-08-10. Review status: criteria provided, single submitter. Criteria: ACMG Guidelines, 2015. Collection method: clinical testing. Allele origin: germline. Affected: yes. Observed: 1 variant allele.
Comment: ACMG criteria applied: PM2_SUP, PP3

GeneDx
Classification: Uncertain significance. Last evaluated: 2017-11-24. Review status: criteria provided, single submitter. Criteria: GeneDx Variant Classification (06012015). Collection method: clinical testing. Allele origin: germline. Affected: yes.
Comment: The c.1899+5 G>A variant has not been published as a pathogenic variant, nor has it been reported as a benign variant to our knowledge. The c.1899+5 G>A variant is not observed in large population cohorts (Lek et al., 2016). Several in silico splice prediction models predict that c.1899+5 G>A may damage or destroy the natural donor site and lead to abnormal gene splicing. However, in the absence of RNA/functional studies, the actual effect of this sequence change in this individual is unknown. Therefore, based on the currently available information, it is unclear whether this variant is a pathogenic variant or a rare benign variant.

NM_001170629.2(CHD8):c.1899+5G>A

Gene: CHD8 (chromodomain helicase DNA binding protein 8; minus strand). Cytogenetic location: 14q11.2.
Variant type: single nucleotide variant.
Coding change: c.1899+5G>A on transcript NM_001170629.2 (MANE Select); 5 bases into the intron after coding-DNA position 1899, G replaced by A.
Molecular consequence: intron variant.
Genome position (GRCh38, 1-based): chr14:21,415,720, C>T on the plus strand (G>A on the coding strand, the complement: CHD8 is on the minus strand). VCF-style: chr14-21415720-C-T. GRCh37 (hg19) VCF-style: chr14-21883879-C-T.
Other names: c.1062+5G>A (NM_020920.4).
Identifiers: ClinVar variation 489147 (VCV000489147.4), dbSNP rs1555316496, ClinGen allele CA658683876.